The following is an entry in ClinVar:

ClinVar aggregate classification (germline): Pathogenic/Likely pathogenic. Review status: criteria provided, multiple submitters, no conflicts (2 of 4 stars). 2 submissions from 2 submitters: Pathogenic (1); Likely pathogenic (1). Last evaluated 2024-03-13.

Submissions (2):

Labcorp Genetics (formerly Invitae), Labcorp
Classification: Pathogenic. Last evaluated: 2024-03-13. Review status: criteria provided, single submitter. Criteria: Invitae Variant Classification Sherloc (09022015). Collection method: clinical testing. Allele origin: germline.
Comment: This sequence change creates a premature translational stop signal (p.Gln720*) in the KIF11 gene. It is expected to result in an absent or disrupted protein product. Loss-of-function variants in KIF11 are known to be pathogenic (PMID: 22284827, 24281367). This variant is not present in population databases (gnomAD no frequency). This variant has not been reported in the literature in individuals affected with KIF11-related conditions. ClinVar contains an entry for this variant (Variation ID: 1298494). For these reasons, this variant has been classified as Pathogenic.

CeGaT Center for Human Genetics Tuebingen
Classification: Likely pathogenic. Last evaluated: 2021-07-01. Review status: criteria provided, single submitter. Criteria: CeGaT Center For Human Genetics Tuebingen Variant Classification Criteria Version 2. Collection method: clinical testing. Allele origin: germline. Affected: yes. Observed: 1 variant allele.

Literature cited by the submitters: PubMed 22284827 (cited by Labcorp Genetics (formerly Invitae), Labcorp); PubMed 24281367 (cited by Labcorp Genetics (formerly Invitae), Labcorp).

NM_004523.4(KIF11):c.2158C>T (p.Gln720Ter)

Gene: KIF11 (kinesin family member 11; plus strand). Cytogenetic location: 10q23.33.
Variant type: single nucleotide variant.
Coding change: c.2158C>T on transcript NM_004523.4 (MANE Select); coding-DNA position 2158, C replaced by T.
Protein change: p.Gln720Ter; replaces glutamine 720 with a stop codon.
Molecular consequence: nonsense.
Genome position (GRCh38, 1-based): chr10:92,637,543, C>T. VCF-style: chr10-92637543-C-T. GRCh37 (hg19) VCF-style: chr10-94397300-C-T.
Other names: short protein forms Q720*.
Identifiers: ClinVar variation 1298494 (VCV001298494.37), dbSNP rs1214257415, ClinGen allele CA377593542.